The following is an entry in ClinVar:

ClinVar aggregate classification (germline): Uncertain significance (1 of 4 stars; one submission).

Conditions:
Inborn genetic diseases. Identifiers: MedGen C0950123, MeSH D030342.

Submission:

Ambry Genetics
Classification: Uncertain significance for Inborn genetic diseases. Last evaluated: 2021-12-29. Review status: criteria provided, single submitter. Criteria: Ambry Variant Classification Scheme 2023. Collection method: clinical testing. Allele origin: germline.
Comment: The p.V461L variant (also known as c.1381G>C), located in coding exon 11 of the MFN2 gene, results from a G to C substitution at nucleotide position 1381. The valine at codon 461 is replaced by leucine, an amino acid with highly similar properties. This amino acid position is conserved. In addition, the in silico prediction for this alteration is inconclusive. Since supporting evidence is limited at this time, the clinical significance of this alteration remains unclear.

NM_014874.4(MFN2):c.1381G>C (p.Val461Leu)

Gene: MFN2 (mitofusin 2; plus strand). Cytogenetic location: 1p36.22.
Variant type: single nucleotide variant.
Coding change: c.1381G>C on transcript NM_014874.4 (MANE Select); coding-DNA position 1381, G replaced by C.
Protein change: p.Val461Leu; replaces valine 461 with leucine.
Molecular consequence: missense variant.
Genome position (GRCh38, 1-based): chr1:12,004,602, G>C. VCF-style: chr1-12004602-G-C. GRCh37 (hg19) VCF-style: chr1-12064659-G-C.
Other names: c.1381G>C, p.Val461Leu (NM_001127660.2); short protein forms V461L.
Identifiers: ClinVar variation 1771301 (VCV001771301.2), dbSNP rs1464268222, ClinGen allele CA338446432.
Genomic context (GRCh38, chr1:12,004,602, plus strand): 5'-CTCTCTGTACTGGTGGACGATTACCAGATGGACTTCCACCCTTCTCCAGTAGTCCTCAAG[G>C]TTTATAAGAATGTGAGTCATGGAGCAACAGGTCCTCTTGGCAGGAGGCCCCCAAAAGTGA-3'
Protein context (NP_055689.1, residues 451-471): DFHPSPVVLK[Val461Leu]YKNELHRHIE